The following is an entry in ClinVar:

ClinVar aggregate classification (germline): Uncertain significance (1 of 4 stars; one submission).

Conditions:
Familial thoracic aortic aneurysm and aortic dissection (TAAD). Also called: Thoracic aortic aneurysms and dissections. Identifiers: Orphanet 91387, MedGen C4707243, MONDO:0019625.

Submission:

Ambry Genetics
Classification: Uncertain significance for Familial thoracic aortic aneurysm and aortic dissection. Last evaluated: 2023-12-22. Review status: criteria provided, single submitter. Criteria: Ambry Variant Classification Scheme 2023. Collection method: clinical testing. Allele origin: germline.
Comment: The p.G244E variant (also known as c.731G>A), located in coding exon 7 of the PLOD1 gene, results from a G to A substitution at nucleotide position 731. The glycine at codon 244 is replaced by glutamic acid, an amino acid with similar properties. This amino acid position is conserved. In addition, this alteration is predicted to be deleterious by in silico analysis. Since supporting evidence is limited at this time, the clinical significance of this alteration remains unclear.

NM_000302.4(PLOD1):c.731G>A (p.Gly244Glu)

Gene: PLOD1 (procollagen-lysine,2-oxoglutarate 5-dioxygenase 1; plus strand). Cytogenetic location: 1p36.22.
Variant type: single nucleotide variant.
Coding change: c.731G>A on transcript NM_000302.4 (MANE Select); coding-DNA position 731, G replaced by A.
Protein change: p.Gly244Glu; replaces glycine 244 with glutamic acid.
Molecular consequence: missense variant.
Genome position (GRCh38, 1-based): chr1:11,957,004, G>A. VCF-style: chr1-11957004-G-A. GRCh37 (hg19) VCF-style: chr1-12017061-G-A.
Other names: c.872G>A, p.Gly291Glu (NM_001316320.2); short protein forms G244E, G291E.
Identifiers: ClinVar variation 3231139 (VCV003231139.1), dbSNP rs1406641897, ClinGen allele CA338431364.
Genomic context (GRCh38, chr1:11,957,004, plus strand): 5'-GCCATGTGAGAGCGAGGAACCTGGCCTATGACACCCTCCCGGTCCTGATCCATGGCAACG[G>A]GCCAACCAAGGTAGGGGGTCCCCAGCCCCTGGGGAGTGTGGGAGGGGGCCAGAGCCCTAA-3'
Protein context (NP_000293.2, residues 234-254): DTLPVLIHGN[Gly244Glu]PTKLQLNYLG